The following is an entry in ClinVar:

NM_024809.5(TCTN2):c.1878A>G (p.Leu626=)

Gene: TCTN2 (tectonic family member 2; plus strand). Cytogenetic location: 12q24.31.
Variant type: single nucleotide variant.
Coding change: c.1878A>G on transcript NM_024809.5 (MANE Select); coding-DNA position 1878, A replaced by G.
Protein change: p.Leu626=; no amino-acid change (leucine 626 retained).
Molecular consequence: synonymous variant.
Genome position (GRCh38, 1-based): chr12:123,706,834, A>G. VCF-style: chr12-123706834-A-G. GRCh37 (hg19) VCF-style: chr12-124191381-A-G.
Other names: c.1875A>G, p.Leu625= (NM_001143850.3); c.1743A>G, p.Leu581= (NM_001410989.1).
Identifiers: ClinVar variation 3035596 (VCV003035596.3), dbSNP rs752806709, ClinGen allele CA6861362.
Genomic context (GRCh38, chr12:123,706,834, plus strand): 5'-CAAGGCCGACCTTCTCCCTATCAGTGCATCCGTCCAGTTTATTAAAATTCCTGCACAGTT[A>G]CCCCACCCCCTGACAAGGTACTCCAGTTGCTCACCTAGTTGACATTAGGAAGCAGAAAAA-3'
Protein context (NP_079085.2, residues 616-636): SVQFIKIPAQ[Leu626=]PHPLTRFQIN

ClinVar aggregate classification (germline): Likely benign. Review status: criteria provided, single submitter (1 of 4 stars). 2 submissions from 2 submitters: Likely benign (1). 1 of the submissions does not count toward it. Last evaluated 2025-12-15.

Conditions:
Joubert syndrome. Also called: Familial aplasia of the vermis; JOUBERT-BOLTSHAUSER SYNDROME. Identifiers: Orphanet 475, MedGen C5979921, MONDO:0018772.
Meckel-Gruber syndrome. Also called: Dysencephalia splachnocystica; DYSENCEPHALIA SPLANCHNOCYSTICA; GRUBER SYNDROME. Identifiers: Orphanet 564, MedGen C0265215, MONDO:0018921.
TCTN2-related disorder. Also called: TCTN2-related condition; TCTN2-related disorders. Identifiers: MedGen CN239412.

Allele frequency attached by ClinVar (database versions not stated): ExAC 0.00001.

Submissions (2):

Labcorp Genetics (formerly Invitae), Labcorp
Classification: Likely benign for Joubert syndrome; Meckel-Gruber syndrome. Last evaluated: 2025-12-15. Review status: criteria provided, single submitter. Criteria: Invitae Variant Classification Sherloc (09022015). Collection method: clinical testing. Allele origin: germline.

PreventionGenetics, part of Exact Sciences
Classification: Likely benign for TCTN2-related condition. Last evaluated: 2019-07-30. Review status: no assertion criteria provided. Collection method: clinical testing. Allele origin: germline. Not counted in ClinVar's aggregate classification.
Comment: This variant is classified as likely benign based on ACMG/AMP sequence variant interpretation guidelines (Richards et al. 2015 PMID: 25741868, with internal and published modifications).